The following is an entry in ClinVar:

NM_006063.3(KLHL41):c.1076A>G (p.Asn359Ser)

Gene: KLHL41 (kelch like family member 41; plus strand). Cytogenetic location: 2q31.1.
Variant type: single nucleotide variant.
Coding change: c.1076A>G on transcript NM_006063.3 (MANE Select); coding-DNA position 1076, A replaced by G.
Protein change: p.Asn359Ser; replaces asparagine 359 with serine.
Molecular consequence: missense variant.
Genome position (GRCh38, 1-based): chr2:169,510,854, A>G. VCF-style: chr2-169510854-A-G. GRCh37 (hg19) VCF-style: chr2-170367364-A-G.
Other names: short protein forms N359S.
Identifiers: ClinVar variation 2078449 (VCV002078449.4), dbSNP rs2468055807, ClinGen allele CA349177901.

ClinVar aggregate classification (germline): Uncertain significance (1 of 4 stars; one submission).

Conditions:
Nemaline myopathy 9 (NEM9). Identifiers: MedGen C3810384, MONDO:0014326, OMIM 615731.

Submission:

Labcorp Genetics (formerly Invitae), Labcorp
Classification: Uncertain significance for Nemaline myopathy 9. Last evaluated: 2022-05-12. Review status: criteria provided, single submitter. Criteria: Invitae Variant Classification Sherloc (09022015). Collection method: clinical testing. Allele origin: germline.
Comment: This sequence change replaces asparagine, which is neutral and polar, with serine, which is neutral and polar, at codon 359 of the KLHL41 protein (p.Asn359Ser). This variant is not present in population databases (gnomAD no frequency). This variant has not been reported in the literature in individuals affected with KLHL41-related conditions. In summary, the available evidence is currently insufficient to determine the role of this variant in disease. Therefore, it has been classified as a Variant of Uncertain Significance. Algorithms developed to predict the effect of missense changes on protein structure and function are either unavailable or do not agree on the potential impact of this missense change (SIFT: "Deleterious"; PolyPhen-2: "Benign"; Align-GVGD: "Class C15").